The following is an entry in ClinVar:

ClinVar aggregate classification (germline): Pathogenic (1 of 4 stars; one submission).

gnomAD v4.1: 2 of 1,614,094 alleles (0.00012%); highest among the groups gnomAD compares: East Asian, 0.0022%; no homozygotes.

Submission:

Labcorp Genetics (formerly Invitae), Labcorp
Classification: Pathogenic. Last evaluated: 2025-04-30. Review status: criteria provided, single submitter. Criteria: Invitae Variant Classification Sherloc (09022015). Collection method: clinical testing. Allele origin: germline.
Comment: This sequence change creates a premature translational stop signal (p.Gln962*) in the TET2 gene. It is expected to result in an absent or disrupted protein product. Loss-of-function variants in TET2 are known to be pathogenic (PMID: 36066697). This variant is present in population databases (rs745887194, gnomAD 0.01%). This variant has not been reported in the literature in individuals affected with TET2-related conditions. ClinVar contains an entry for this variant (Variation ID: 3657812). For these reasons, this variant has been classified as Pathogenic.

Literature cited by the submitters: PubMed 36066697.

NM_001127208.3(TET2):c.2884C>T (p.Gln962Ter)

Genes: TET2 (tet methylcytosine dioxygenase 2; plus strand), TET2-AS1 (TET2 antisense RNA 1; minus strand). Cytogenetic location: 4q24.
Variant type: single nucleotide variant.
Coding change: c.2884C>T on transcript NM_001127208.3 (MANE Select); coding-DNA position 2884, C replaced by T.
Protein change: p.Gln962Ter; replaces glutamine 962 with a stop codon.
Molecular consequence: nonsense.
Genome position (GRCh38, 1-based): chr4:105,236,826, C>T. VCF-style: chr4-105236826-C-T. GRCh37 (hg19) VCF-style: chr4-106157983-C-T.
Other names: c.2884C>T, p.Gln962Ter (NM_017628.4); short protein forms Q962*.
Identifiers: ClinVar variation 3657812 (VCV003657812.2).